The following is an entry in ClinVar:

ClinVar aggregate classification (germline): Pathogenic. Review status: reviewed by expert panel (3 of 4 stars). 13 submissions from 13 submitters: Pathogenic (1). 12 of the submissions do not count toward it. Last evaluated 2016-09-08.

Conditions:
Hereditary breast ovarian cancer syndrome. Also called: Hereditary breast and ovarian cancer syndrome; Hereditary breast and ovarian cancer; Hereditary breast and ovarian cancer syndrome (HBOC); Breast and ovarian cancer; Hereditary breast and/or ovarian cancer syndrome; BRCA1- and BRCA2-Associated Hereditary Breast and Ovarian Cancer. Identifiers: Orphanet 145, MedGen C0677776, MeSH D061325, MONDO:0003582. Disease mechanism: loss of function.
Breast-ovarian cancer, familial, susceptibility to, 2 (BROVCA2). Also called: BRCA2 Hereditary Breast and Ovarian Cancer. Identifiers: Orphanet 145, MedGen C2675520, MONDO:0012933, OMIM 612555. Disease mechanism: loss of function.
Familial cancer of breast. Also called: BREAST CANCER, FAMILIAL; Hereditary breast cancer; hereditary breast carcinoma. Identifiers: Orphanet 227535, MedGen C0346153, MONDO:0016419, OMIM 114480. Disease mechanism: loss of function.
Hereditary cancer-predisposing syndrome. Also called: Neoplastic Syndromes, Hereditary; Tumor predisposition; Hereditary Cancer Syndrome; Hereditary neoplastic syndrome. Identifiers: Orphanet 140162, MedGen C0027672, MeSH D009386, MONDO:0015356.

Submissions (13):

Evidence-based Network for the Interpretation of Germline Mutant Alleles (ENIGMA)
Classification: Pathogenic for Breast-ovarian cancer, familial, susceptibility to, 2. Last evaluated: 2016-09-08. Review status: reviewed by expert panel. Criteria: ENIGMA BRCA1/2 Classification Criteria (2015). Collection method: curation. Allele origin: germline.
Comment: Variant allele predicted to encode a truncated non-functional protein.

Center for Genomic Medicine, Rigshospitalet, Copenhagen University Hospital
Classification: Pathogenic. Last evaluated: 2025-12-29. Review status: criteria provided, single submitter. Criteria: ACMG Guidelines, 2015. Collection method: clinical testing. Allele origin: germline. Not counted in ClinVar's aggregate classification.

KCCC/NGS Laboratory, Kuwait Cancer Control Center
Classification: Pathogenic for Breast-ovarian cancer, familial, susceptibility to, 2. Last evaluated: 2025-12-01. Review status: criteria provided, single submitter. Criteria: ACMG Guidelines, 2015. Collection method: clinical testing. Allele origin: germline. Inheritance: Autosomal dominant inheritance. Affected: yes. Not counted in ClinVar's aggregate classification.
Comment: A known pathogenic variant.

Labcorp Genetics (formerly Invitae), Labcorp
Classification: Pathogenic for Hereditary breast ovarian cancer syndrome. Last evaluated: 2025-11-02. Review status: criteria provided, single submitter. Criteria: Invitae Variant Classification Sherloc (09022015). Collection method: clinical testing. Allele origin: germline. Not counted in ClinVar's aggregate classification.
Comment: This sequence change creates a premature translational stop signal (p.Ser368*) in the BRCA2 gene. It is expected to result in an absent or disrupted protein product. Loss-of-function variants in BRCA2 are known to be pathogenic (PMID: 20104584). This variant is not present in population databases (gnomAD no frequency). This premature translational stop signal has been observed in individual(s) with a personal or family history of breast or ovarian cancer (PMID: 24156927). ClinVar contains an entry for this variant (Variation ID: 51064). For these reasons, this variant has been classified as Pathogenic.

Color Diagnostics, LLC DBA Color Health
Classification: Pathogenic for Hereditary cancer-predisposing syndrome. Last evaluated: 2025-08-04. Review status: criteria provided, single submitter. Criteria: ACMG Guidelines, 2015. Collection method: clinical testing. Allele origin: germline. Not counted in ClinVar's aggregate classification.
Comment: This variant changes 1 nucleotide in exon 10 of the BRCA2 gene, creating a premature translation stop signal. This variant is expected to result in an absent or non-functional protein product. A multifactorial analysis has reached a combined likelihood ratio (LR) of 6.133 based on reported LR for co-occurrence with a pathogenic variant and personal and family history for 2 carriers (PMID: 31853058). This variant has not been identified in the general population by the Genome Aggregation Database (gnomAD). Loss of BRCA2 function is a known mechanism of disease. Based on the available evidence, this variant is classified as Pathogenic.

Ambry Genetics
Classification: Pathogenic for Hereditary cancer-predisposing syndrome. Last evaluated: 2025-06-30. Review status: criteria provided, single submitter. Criteria: Ambry Variant Classification Scheme 2023. Collection method: clinical testing. Allele origin: germline. Not counted in ClinVar's aggregate classification.
Comment: The p.S368* pathogenic mutation (also known as c.1103C>A), located in coding exon 9 of the BRCA2 gene, results from a C to A substitution at nucleotide position 1103. This changes the amino acid from a serine to a stop codon within coding exon 9. This variant is considered to be rare based on population cohorts in the Genome Aggregation Database (gnomAD). In addition to the clinical data presented in the literature, this alteration is expected to result in loss of function by premature protein truncation or nonsense-mediated mRNA decay. As such, this alteration is interpreted as a disease-causing mutation.

GeneDx
Classification: Pathogenic. Last evaluated: 2025-04-28. Review status: criteria provided, single submitter. Criteria: GeneDx Variant Classification Process June 2021. Collection method: clinical testing. Allele origin: germline. Affected: yes. Not counted in ClinVar's aggregate classification.
Comment: Nonsense variant predicted to result in protein truncation or nonsense mediated decay in a gene for which loss of function is a known mechanism of disease; Truncating variants in this gene are considered pathogenic by a well-established clinical consortium and/or database; Not observed at significant frequency in large population cohorts (gnomAD); Also known as 1331C>A; This variant is associated with the following publications: (PMID: 24156927, 24240112, 30787465, 32885271, 29446198, 28726806, 20104584, 32377563)

Quest Diagnostics Nichols Institute San Juan Capistrano
Classification: Pathogenic. Last evaluated: 2024-03-29. Review status: criteria provided, single submitter. Criteria: Quest Diagnostics criteria. Collection method: clinical testing. Allele origin: unknown. Not counted in ClinVar's aggregate classification.
Comment: The BRCA2 c.1103C>A (p.Ser368*) variant causes the premature termination of BRCA2 protein synthesis. This variant has been reported in the published literature in individuals with breast cancer (PMID: 24156927 (2014), 32885271 (2021)). This variant has also been identified in a world-wide screening study of BRCA1/BRCA2 mutation carriers (PMID: 29446198 (2018)). This variant has not been reported in large, multi-ethnic general populations (Genome Aggregation Database). Based on the available information, this variant is classified as pathogenic.

Baylor Genetics
Classification: Pathogenic for Familial cancer of breast. Last evaluated: 2021-10-29. Review status: criteria provided, single submitter. Criteria: ACMG Guidelines, 2015. Collection method: clinical testing. Allele origin: unknown. Not counted in ClinVar's aggregate classification.

Women's Health and Genetics/Laboratory Corporation of America, LabCorp
Classification: Pathogenic for Hereditary breast and ovarian cancer syndrome. Last evaluated: 2019-06-03. Review status: criteria provided, single submitter. Criteria: LabCorp Variant Classification Summary - May 2015. Collection method: clinical testing. Allele origin: germline. Not counted in ClinVar's aggregate classification.
Comment: Variant summary: BRCA2 c.1103C>A (p.Ser368X) results in a premature termination codon, predicted to cause a truncation of the encoded protein or absence of the protein due to nonsense mediated decay, which are commonly known mechanisms for disease. The variant was absent in 249768 control chromosomes (gnomAD). c.1103C>A has been reported in the literature in individuals affected with Hereditary Breast and Ovarian Cancer (Lebo_2018, Rebbeck_2018, Tea_2014). These data indicate that the variant is likely to be associated with disease. To our knowledge, no experimental evidence demonstrating an impact on protein function has been reported. A different nucleotide change at the same position as the variant of interest (c.1103C>G) resulting in the same nonsense change (p.Ser368X) has been classified as pathogenic by our laboratory. Seven ClinVar submitters including an expert panel (ENIGMA) cite the variant as pathogenic (evaluations after 2014). Based on the evidence outlined above, the variant was classified as pathogenic.

Consortium of Investigators of Modifiers of BRCA1/2 (CIMBA), c/o University of Cambridge
Classification: Pathogenic for Breast-ovarian cancer, familial, susceptibility to, 2. Last evaluated: 2015-10-02. Review status: criteria provided, single submitter. Criteria: CIMBA Mutation Classification guidelines May 2016. Collection method: clinical testing. Allele origin: germline. Not counted in ClinVar's aggregate classification.

Breast Cancer Information Core (BIC) (BRCA2)
Classification: Pathogenic for Breast-ovarian cancer, familial 2. Last evaluated: 2003-12-23. Review status: no assertion criteria provided. Collection method: clinical testing. Allele origin: germline. Affected: yes. Observed: 1 variant allele. Not counted in ClinVar's aggregate classification.

Department of Pathology and Laboratory Medicine, Sinai Health System
Classification: Pathogenic. Review status: no assertion criteria provided. Collection method: clinical testing. Allele origin: unknown. Affected: yes. Study: The Canadian Open Genetics Repository (COGR). Not counted in ClinVar's aggregate classification.
Comment: The variant was also identified in dbSBP (ID: rs80358407) as â€šÃ„ÃºWith Pathogenic alleleâ€šÃ„Ã¹, ClinVar (7x classified as pathogenic: ENIGMA Study, CIMBA Univ of Cambridge, Invitae, GeneDx, Ambry Genetics, Quest Diagnostics, BIC), Clinvitae (4x classified as pathogenic: ClinVar, Invitae), Genesight-COGR (2x classified as pathogenic: COGR consensus, Sinai Health System), BIC Database (1x classified as pathogenic), databases. The variant was not identified in COSMIC, MutDB, LOVD 3.0, UMD-LSDB, or the Zhejiang Colon Cancer Database. The variant was not identified in the 1000 Genomes Project, the NHLBI GO Exome Sequencing Project or the Exome Aggregation Consortium (August 8th 2016) control databases. The p.Ser368* variant leads to a premature stop codon at position 368, which is predicted to lead to a truncated or absent protein and loss of function. Loss of function variants of the BRCA2 gene are an established mechanism of disease in hereditary breast and ovarian cancer and is the type of variant expected to cause the disorder. In summary, based on the above information this variant meets our laboratoryâ€šÃ„Ã´s criteria to be classified as pathogenic.

Literature cited by the submitters: PubMed 20104584 (cited by Labcorp Genetics (formerly Invitae), Labcorp); PubMed 24156927 (cited by 4 submitters); PubMed 31853058 (cited by Color Diagnostics, LLC DBA Color Health); PubMed 32885271 (cited by Quest Diagnostics Nichols Institute San Juan Capistrano); PubMed 29446198 (cited by Quest Diagnostics Nichols Institute San Juan Capistrano and Women's Health and Genetics/Laboratory Corporation of America, LabCorp); PubMed 26295337 (cited by Quest Diagnostics Nichols Institute San Juan Capistrano); PubMed 28726806 (cited by Women's Health and Genetics/Laboratory Corporation of America, LabCorp).

NM_000059.4(BRCA2):c.1103C>A (p.Ser368Ter)

Gene: BRCA2 (BRCA2 DNA repair associated; plus strand). Cytogenetic location: 13q13.1.
Variant type: single nucleotide variant.
Coding change: c.1103C>A on transcript NM_000059.4 (MANE Select); coding-DNA position 1103, C replaced by A.
Protein change: p.Ser368Ter; replaces serine 368 with a stop codon.
Molecular consequence: nonsense.
Genome position (GRCh38, 1-based): chr13:32,332,581, C>A. VCF-style: chr13-32332581-C-A. GRCh37 (hg19) VCF-style: chr13-32906718-C-A.
Other names: p.S368*:TCA>TAA; short protein forms S368*.
Identifiers: ClinVar variation 51064 (VCV000051064.34), dbSNP rs80358407, ClinGen allele CA010822.
Genomic context (GRCh38, chr13:32,332,581, plus strand): 5'-TGAAAGAAAAATACTCATTTGTATCTGAAGTGGAACCAAATGATACTGATCCATTAGATT[C>A]AAATGTAGCAAATCAGAAGCCCTTTGAGAGTGGAAGTGACAAAATCTCCAAGGAAGTTGT-3'